The following is an entry in ClinVar:

NM_001190274.2(FBXO11):c.599A>G (p.Tyr200Cys)

Gene: FBXO11 (F-box protein 11; minus strand). Cytogenetic location: 2p16.3.
Variant type: single nucleotide variant.
Coding change: c.599A>G on transcript NM_001190274.2 (MANE Select); coding-DNA position 599, A replaced by G.
Protein change: p.Tyr200Cys; replaces tyrosine 200 with cysteine.
Molecular consequence: missense variant.
Genome position (GRCh38, 1-based): chr2:47,835,990, T>C on the plus strand (A>G on the coding strand, the complement: FBXO11 is on the minus strand). VCF-style: chr2-47835990-T-C. GRCh37 (hg19) VCF-style: chr2-48063129-T-C.
Other names: c.347A>G, p.Tyr116Cys (NM_001374325.1, NM_025133.4); short protein forms Y116C, Y200C.
Identifiers: ClinVar variation 3513900 (VCV003513900.1).

ClinVar aggregate classification (germline): Uncertain significance (1 of 4 stars; one submission).

Conditions:
Inborn genetic diseases. Identifiers: MedGen C0950123, MeSH D030342.

gnomAD v4.1: 1 of 1,599,634 alleles (0.000063%); no homozygotes.

Submission:

Ambry Genetics
Classification: Uncertain significance for Inborn genetic diseases. Last evaluated: 2024-09-23. Review status: criteria provided, single submitter. Criteria: Ambry Variant Classification Scheme 2023. Collection method: clinical testing. Allele origin: germline.
Comment: The c.599A>G (p.Y200C) alteration is located in exon 5 (coding exon 5) of the FBXO11 gene. This alteration results from an A to G substitution at nucleotide position 599, causing the tyrosine (Y) at amino acid position 200 to be replaced by a cysteine (C). This variant was not reported in population-based cohorts in the Genome Aggregation Database (gnomAD). This amino acid position is highly conserved in available vertebrate species. This alteration is predicted to be deleterious by in silico analysis. Based on insufficient or conflicting evidence, the clinical significance of this alteration remains unclear.